The following is an entry in ClinVar:

ClinVar aggregate classification (germline): Uncertain significance (1 of 4 stars; one submission).

Allele frequency attached by ClinVar (database versions not stated): gnomAD exomes 0.00002; ExAC 0.00008; ESP Exome Variant Server 0.00008; gnomAD 0.00016 and 0.00019; TOPMed 0.00020; 1000 Genomes Project 30x 0.00094; 1000 Genomes Project 0.00100.
gnomAD v4.1: 65 of 1,612,168 alleles (0.004%); highest among the groups gnomAD compares: African/African-American, 0.056%; no homozygotes.

Submission:

Labcorp Genetics (formerly Invitae), Labcorp
Classification: Uncertain significance. Last evaluated: 2022-08-09. Review status: criteria provided, single submitter. Criteria: Invitae Variant Classification Sherloc (09022015). Collection method: clinical testing. Allele origin: germline.
Comment: This sequence change replaces methionine, which is neutral and non-polar, with threonine, which is neutral and polar, at codon 258 of the FERMT1 protein (p.Met258Thr). This variant is present in population databases (rs142987152, gnomAD 0.06%). This variant has not been reported in the literature in individuals affected with FERMT1-related conditions. ClinVar contains an entry for this variant (Variation ID: 1488782). Algorithms developed to predict the effect of missense changes on protein structure and function (SIFT, PolyPhen-2, Align-GVGD) all suggest that this variant is likely to be disruptive. In summary, the available evidence is currently insufficient to determine the role of this variant in disease. Therefore, it has been classified as a Variant of Uncertain Significance.

NM_017671.5(FERMT1):c.773T>C (p.Met258Thr)

Gene: FERMT1 (FERM domain containing kindlin 1; minus strand). Cytogenetic location: 20p12.3.
Variant type: single nucleotide variant.
Coding change: c.773T>C on transcript NM_017671.5 (MANE Select); coding-DNA position 773, T replaced by C.
Protein change: p.Met258Thr; replaces methionine 258 with threonine.
Molecular consequence: missense variant.
Genome position (GRCh38, 1-based): chr20:6,107,608, A>G on the plus strand (T>C on the coding strand, the complement: FERMT1 is on the minus strand). VCF-style: chr20-6107608-A-G. GRCh37 (hg19) VCF-style: chr20-6088255-A-G.
Other names: short protein forms M258T.
Identifiers: ClinVar variation 1488782 (VCV001488782.3), dbSNP rs142987152, ClinGen allele CA9758356.
Genomic context (GRCh38, chr20:6,107,608, plus strand): 5'-AAGAAAGAATAATATTTAAATCGTAAGAGCAGCTGCTCATCCTCTTGGATGCCTTGTTCC[A>G]TAAGGGAGCGTGAGGAGTCTAGCCAACTAGAAAATGACAGCATGAGTTTTAGAAGCCAGT-3'
Protein context (NP_060141.3, residues 248-268): AGWLDSSRSL[Met258Thr]EQGIQEDEQL